The following is an entry in ClinVar:

NM_018474.6(KIZ):c.1846A>G (p.Ser616Gly)

Gene: KIZ (kizuna centrosomal protein; plus strand). Cytogenetic location: 20p11.23.
Variant type: single nucleotide variant.
Coding change: c.1846A>G on transcript NM_018474.6 (MANE Select); coding-DNA position 1846, A replaced by G.
Protein change: p.Ser616Gly; replaces serine 616 with glycine.
Molecular consequence: missense variant.
Genome position (GRCh38, 1-based): chr20:21,232,796, A>G. VCF-style: chr20-21232796-A-G. GRCh37 (hg19) VCF-style: chr20-21213434-A-G.
Other names: c.1537A>G, p.Ser513Gly (NM_001163022.3); c.1447A>G, p.Ser483Gly (NM_001163023.3); c.1699A>G, p.Ser567Gly (NM_001276389.2); c.1792A>G, p.Ser598Gly (NM_001352434.2); c.1483A>G, p.Ser495Gly (NM_001352435.2); c.1504A>G, p.Ser502Gly (NM_001352436.2); short protein forms S483G, S495G, S502G, S513G, S567G, S598G, S616G.
Identifiers: ClinVar variation 1024902 (VCV001024902.8), dbSNP rs368797397, ClinGen allele CA312987255.

ClinVar aggregate classification (germline): Uncertain significance (1 of 4 stars; one submission).

Allele frequency attached by ClinVar (database versions not stated): gnomAD exomes below 0.00001; TOPMed below 0.00001; ESP Exome Variant Server 0.00008.
gnomAD v4.1: 2 of 1,582,944 alleles (0.00013%); highest among the groups gnomAD compares: Non-Finnish European, 0.00017%; no homozygotes.

Submission:

Labcorp Genetics (formerly Invitae), Labcorp
Classification: Uncertain significance. Last evaluated: 2022-02-18. Review status: criteria provided, single submitter. Criteria: Invitae Variant Classification Sherloc (09022015). Collection method: clinical testing. Allele origin: germline.
Comment: In summary, the available evidence is currently insufficient to determine the role of this variant in disease. Therefore, it has been classified as a Variant of Uncertain Significance. Experimental studies and prediction algorithms are not available or were not evaluated, and the functional significance of this variant is currently unknown. ClinVar contains an entry for this variant (Variation ID: 1024902). This variant has not been reported in the literature in individuals affected with KIZ-related conditions. This variant is not present in population databases (gnomAD no frequency). This sequence change replaces serine, which is neutral and polar, with glycine, which is neutral and non-polar, at codon 616 of the KIZ protein (p.Ser616Gly).